The following is an entry in ClinVar:

ClinVar aggregate classification (germline): Conflicting classifications of pathogenicity. Review status: criteria provided, conflicting classifications (1 of 4 stars). 3 submissions from 3 submitters: Uncertain significance (1); Likely benign (2). Last evaluated 2025-11-12.

Conditions:
TTN-related disorder. Also called: TTN-related condition; TTN-related disease; TTN-related disorders.
Cardiovascular phenotype. Identifiers: MedGen CN230736.
Autosomal recessive limb-girdle muscular dystrophy type 2J (LGMDR10). Also called: Limb-girdle muscular dystrophy, type 2J; MUSCULAR DYSTROPHY, LIMB-GIRDLE, AUTOSOMAL RECESSIVE 10. Identifiers: Orphanet 140922, MedGen C1837342, MONDO:0012127, OMIM 608807.
Dilated cardiomyopathy 1G (CMD1G). Identifiers: Orphanet 154, MedGen C1858763, MONDO:0011400, OMIM 604145.

Allele frequency attached by ClinVar (database versions not stated): gnomAD 0.00002; gnomAD exomes 0.00002; ExAC 0.00003; TOPMed 0.00003; ESP Exome Variant Server 0.00008.
gnomAD v4.1: 31 of 1,603,628 alleles (0.0019%); highest among the groups gnomAD compares: African/African-American, 0.004%; no homozygotes.

Submissions (3):

Labcorp Genetics (formerly Invitae), Labcorp
Classification: Likely benign for Dilated cardiomyopathy 1G; Autosomal recessive limb-girdle muscular dystrophy type 2J. Last evaluated: 2025-11-12. Review status: criteria provided, single submitter. Criteria: Invitae Variant Classification Sherloc (09022015). Collection method: clinical testing. Allele origin: germline.

PreventionGenetics, part of Exact Sciences
Classification: Likely benign for TTN-related condition. Last evaluated: 2025-05-09. Review status: criteria provided, single submitter. Criteria: ACMG Guidelines, 2015. Collection method: clinical testing. Allele origin: germline.
Comment: This variant is classified as likely benign based on ACMG/AMP sequence variant interpretation guidelines (Richards et al. 2015 PMID: 25741868, with internal and published modifications).

Ambry Genetics
Classification: Uncertain significance for Cardiovascular phenotype. Last evaluated: 2025-01-21. Review status: criteria provided, single submitter. Criteria: Ambry Variant Classification Scheme 2023. Collection method: clinical testing. Allele origin: germline.
Comment: The c.296-5C>T intronic variant results from a C to T substitution 5 nucleotides upstream from coding exon 3 in the TTN gene. This nucleotide position is poorly conserved in available vertebrate species. In silico splice site analysis predicts that this alteration will not have any significant effect on splicing. Based on the available evidence, the clinical significance of this variant remains unclear.

NM_001267550.2(TTN):c.296-5C>T

Gene: TTN (titin; minus strand). Cytogenetic location: 2q31.2.
Variant type: single nucleotide variant.
Coding change: c.296-5C>T on transcript NM_001267550.2 (MANE Select); 5 bases into the intron before coding-DNA position 296, C replaced by T.
Molecular consequence: intron variant.
Genome position (GRCh38, 1-based): chr2:178,800,687, G>A on the plus strand (C>T on the coding strand, the complement: TTN is on the minus strand). VCF-style: chr2-178800687-G-A. GRCh37 (hg19) VCF-style: chr2-179665414-G-A.
Other names: c.296-5C>T (NM_003319.4, NM_133437.4, NM_133432.3 and 3 more transcripts).
Identifiers: ClinVar variation 1105692 (VCV001105692.13), dbSNP rs374923808, ClinGen allele CA2006345.
Genomic context (GRCh38, chr2:178,800,687, plus strand): 5'-TTGTCTCACGGTCATGCTCTGCAGTCGTTGAACGAAGTTGGGTGGTGCTGTCTCAGCTGC[G>A]GGGACAAGAGAACAAAGTCAAGAGTGAGAGCCAGGGTGCTCCCTACAAGGTATTTTTAAA-3'